The following is an entry in ClinVar:

ClinVar aggregate classification (germline): Uncertain significance. Review status: criteria provided, multiple submitters, no conflicts (2 of 4 stars). 2 submissions from 2 submitters: Uncertain significance (2). Last evaluated 2025-05-31.

Conditions:
Inborn genetic diseases. Identifiers: MedGen C0950123, MeSH D030342.
Baller-Gerold syndrome (BGS). Also called: CRANIOSYNOSTOSIS WITH RADIAL DEFECTS. Identifiers: Orphanet 1225, MedGen C0265308, MONDO:0009039, OMIM 218600.

Submissions (2):

Ambry Genetics
Classification: Uncertain significance for Inborn genetic diseases. Last evaluated: 2025-05-31. Review status: criteria provided, single submitter. Criteria: Ambry Variant Classification Scheme 2023. Collection method: clinical testing. Allele origin: germline.
Comment: The p.R5L variant (also known as c.14G>T), located in coding exon 1 of the RECQL4 gene, results from a G to T substitution at nucleotide position 14. The arginine at codon 5 is replaced by leucine, an amino acid with dissimilar properties. This amino acid position is conserved. In addition, this alteration is predicted to be tolerated by in silico analysis. Based on the available evidence, the clinical significance of this variant remains unclear.

Labcorp Genetics (formerly Invitae), Labcorp
Classification: Uncertain significance for Baller-Gerold syndrome. Last evaluated: 2022-09-02. Review status: criteria provided, single submitter. Criteria: Invitae Variant Classification Sherloc (09022015). Collection method: clinical testing. Allele origin: germline.
Comment: This variant has not been reported in the literature in individuals affected with RECQL4-related conditions. This variant is not present in population databases (gnomAD no frequency). This sequence change replaces arginine, which is basic and polar, with leucine, which is neutral and non-polar, at codon 5 of the RECQL4 protein (p.Arg5Leu). ClinVar contains an entry for this variant (Variation ID: 853989). In summary, the available evidence is currently insufficient to determine the role of this variant in disease. Therefore, it has been classified as a Variant of Uncertain Significance. Algorithms developed to predict the effect of missense changes on protein structure and function output the following: SIFT: "Not Available"; PolyPhen-2: "Not Available"; Align-GVGD: "Not Available". The leucine amino acid residue is found in multiple mammalian species, which suggests that this missense change does not adversely affect protein function.

NM_004260.4(RECQL4):c.14G>T (p.Arg5Leu)

Genes: RECQL4 (RecQ like helicase 4; minus strand), LOC130001411 (ATAC-STARR-seq lymphoblastoid silent region 19699; plus strand). Cytogenetic location: 8q24.3.
Variant type: single nucleotide variant.
Coding change: c.14G>T on transcript NM_004260.4 (MANE Select); coding-DNA position 14, G replaced by T.
Protein change: p.Arg5Leu; replaces arginine 5 with leucine.
Molecular consequence: missense variant.
Genome position (GRCh38, 1-based): chr8:144,517,771, C>A on the plus strand (G>T on the coding strand, the complement: RECQL4 is on the minus strand). VCF-style: chr8-144517771-C-A. GRCh37 (hg19) VCF-style: chr8-145743155-C-A.
Other names: short protein forms R5L.
Identifiers: ClinVar variation 853989 (VCV000853989.8), dbSNP rs1815447241, ClinGen allele CA372693995.